The following is an entry in ClinVar:

ClinVar aggregate classification (germline): Conflicting classifications of pathogenicity. Review status: criteria provided, conflicting classifications (1 of 4 stars). 6 submissions from 6 submitters: Uncertain significance (4); Likely benign (1). 1 of the submissions does not count toward it. Last evaluated 2026-01-26.

Conditions:
Hereditary cancer-predisposing syndrome. Also called: Hereditary neoplastic syndrome; Hereditary Cancer Syndrome; Neoplastic Syndromes, Hereditary; Tumor predisposition. Identifiers: Orphanet 140162, MedGen C0027672, MeSH D009386, MONDO:0015356.
Bloom syndrome (BLM). Also called: Bloom-Torre-Machacek syndrome. Identifiers: Orphanet 125, MedGen C0005859, MONDO:0008876, OMIM 210900.

Allele frequency attached by ClinVar (database versions not stated): TOPMed 0.00002.
gnomAD v4.1: 63 of 1,608,478 alleles (0.0039%); highest among the groups gnomAD compares: Non-Finnish European, 0.0051%; no homozygotes.

Submissions (6):

Labcorp Genetics (formerly Invitae), Labcorp
Classification: Uncertain significance for Bloom syndrome. Last evaluated: 2026-01-26. Review status: criteria provided, single submitter. Criteria: Invitae Variant Classification Sherloc (09022015). Collection method: clinical testing. Allele origin: germline.
Comment: This sequence change replaces aspartic acid, which is acidic and polar, with asparagine, which is neutral and polar, at codon 1080 of the BLM protein (p.Asp1080Asn). This variant is present in population databases (rs771767745, gnomAD 0.007%). This variant has not been reported in the literature in individuals affected with BLM-related conditions. ClinVar contains an entry for this variant (Variation ID: 236812). Invitae Evidence Modeling of protein sequence and biophysical properties (such as structural, functional, and spatial information, amino acid conservation, physicochemical variation, residue mobility, and thermodynamic stability) indicates that this missense variant is not expected to disrupt BLM protein function with a negative predictive value of 80%. In summary, the available evidence is currently insufficient to determine the role of this variant in disease. Therefore, it has been classified as a Variant of Uncertain Significance.

Fulgent Genetics
Classification: Uncertain significance for Bloom syndrome. Last evaluated: 2024-05-07. Review status: criteria provided, single submitter. Criteria: ACMG Guidelines, 2015. Collection method: clinical testing. Allele origin: germline.

Quest Diagnostics Nichols Institute San Juan Capistrano
Classification: Uncertain significance. Last evaluated: 2024-04-18. Review status: criteria provided, single submitter. Criteria: Quest Diagnostics criteria. Collection method: clinical testing. Allele origin: unknown.
Comment: The BLM c.3238G>A (p.Asp1080Asn) variant has not been reported in individuals with BLM-related conditions in the published literature. The frequency of this variant in the general population, 0.000053 (6/113312 chromosomes (Genome Aggregation Database)), is uninformative in the assessment of its pathogenicity. Analysis of this variant using bioinformatics tools for the prediction of the effect of amino acid changes on protein structure and function yielded predictions that this variant is benign. Based on the available information, we are unable to determine the clinical significance of this variant.

Ambry Genetics
Classification: Likely benign for Hereditary cancer-predisposing syndrome. Last evaluated: 2024-02-12. Review status: criteria provided, single submitter. Criteria: Ambry Variant Classification Scheme 2023. Collection method: clinical testing. Allele origin: germline.

Institute for Clinical Genetics, University Hospital TU Dresden, University Hospital TU Dresden
Classification: Uncertain significance. Last evaluated: 2021-11-03. Review status: criteria provided, single submitter. Criteria: ACMG Guidelines, 2015. Collection method: clinical testing. Allele origin: germline.

Natera, Inc.
Classification: Uncertain significance for Bloom syndrome. Last evaluated: 2018-06-19. Review status: no assertion criteria provided. Collection method: clinical testing. Allele origin: germline. Not counted in ClinVar's aggregate classification.

NM_000057.4(BLM):c.3238G>A (p.Asp1080Asn)

Gene: BLM (BLM RecQ like helicase; plus strand). Cytogenetic location: 15q26.1.
Variant type: single nucleotide variant.
Coding change: c.3238G>A on transcript NM_000057.4 (MANE Select); coding-DNA position 3238, G replaced by A.
Protein change: p.Asp1080Asn; replaces aspartic acid 1080 with asparagine.
Molecular consequence: missense variant.
Genome position (GRCh38, 1-based): chr15:90,798,217, G>A. VCF-style: chr15-90798217-G-A. GRCh37 (hg19) VCF-style: chr15-91341447-G-A.
Other names: c.3238G>A, p.Asp1080Asn (NM_001287246.2, NM_001287247.2); c.2113G>A, p.Asp705Asn (NM_001287248.2); short protein forms D1080N, D705N.
Identifiers: ClinVar variation 236812 (VCV000236812.22), dbSNP rs771767745, ClinGen allele CA7738972.
Genomic context (GRCh38, chr15:90,798,217, plus strand): 5'-TTATAGCAGAAAGTATTCTCTTTTTATTCATAGGATTATAAAACAAGAGATGTGACTGAC[G>A]ATGTGAAAAGTATTGTAAGATTTGTTCAAGAACATAGTTCATCACAAGGAATGAGAAATA-3'
Protein context (NP_000048.1, residues 1070-1090): KDYKTRDVTD[Asp1080Asn]VKSIVRFVQE